The following is an entry in ClinVar:

NM_130797.4(DPP6):c.1299+68G>A

Gene: DPP6 (dipeptidyl peptidase like 6; plus strand). Cytogenetic location: 7q36.2.
Variant type: single nucleotide variant.
Coding change: c.1299+68G>A on transcript NM_130797.4 (MANE Select); 68 bases into the intron after coding-DNA position 1299, G replaced by A.
Molecular consequence: intron variant. On other transcripts: missense variant (1).
Genome position (GRCh38, 1-based): chr7:154,795,951, G>A. VCF-style: chr7-154795951-G-A. GRCh37 (hg19) VCF-style: chr7-154587661-G-A.
Other names: c.1175G>A, p.Ser392Asn (NM_001364501.2); c.1116+68G>A (NM_001364500.2, NM_001364499.2, NM_001364497.2 and 1 more transcripts); c.1107+68G>A (NM_001039350.3); c.1113+68G>A (NM_001936.5); c.978+68G>A (NM_001290252.2); short protein forms S392N.
Identifiers: ClinVar variation 2634158 (VCV002634158.1), dbSNP rs558359171, ClinGen allele CA169254162.

ClinVar aggregate classification (germline): Uncertain significance (1 of 4 stars; one submission).

Conditions:
DPP6-related disorder. Also called: DPP6-related condition.

Allele frequency attached by ClinVar (database versions not stated): gnomAD 0.00003; TOPMed 0.00004; 1000 Genomes Project 0.00020; 1000 Genomes Project 30x 0.00031.
gnomAD v4.1: 33 of 1,555,612 alleles (0.0021%); highest among the groups gnomAD compares: Admixed American, 0.066%; no homozygotes.

Submission:

PreventionGenetics, part of Exact Sciences
Classification: Uncertain significance for DPP6-related condition. Last evaluated: 2023-07-07. Review status: criteria provided, single submitter. Criteria: ACMG Guidelines, 2015. Collection method: clinical testing. Allele origin: germline.
Comment: The DPP6 c.1175G>A variant is predicted to result in the amino acid substitution p.Ser392Asn. This variant is referred to as c.1299+68G>A (intronic) and c.1113+68G>A (intronic) with alternate transcripts NM_130797 and NM_001936, respectively. To our knowledge, this variant has not been reported in the literature or in a large population database, indicating this variant is rare. At this time, the clinical significance of this variant is uncertain due to the absence of conclusive functional and genetic evidence.